The following is an entry in ClinVar:

NM_033380.3(COL4A5):c.4693C>G (p.Pro1565Ala)

Gene: COL4A5 (collagen type IV alpha 5 chain; plus strand). Cytogenetic location: Xq22.3.
Variant type: single nucleotide variant.
Coding change: c.4693C>G on transcript NM_033380.3 (MANE Select); coding-DNA position 4693, C replaced by G.
Protein change: p.Pro1565Ala; replaces proline 1565 with alanine.
Molecular consequence: missense variant.
Genome position (GRCh38, 1-based): chrX:108,692,912, C>G. VCF-style: chrX-108692912-C-G. GRCh37 (hg19) VCF-style: chrX-107936142-C-G.
Other names: c.4675C>G, p.Pro1559Ala (NM_000495.5); c.4693C>G (NM_033380.2); short protein forms P1559A, P1565A.
Identifiers: ClinVar variation 24753 (VCV000024753.7), dbSNP rs104886295, ClinGen allele CA259077.
Genomic context (GRCh38, chrX:108,692,912, plus strand): 5'-CTCTCTACCCCAGAGCCCATGCCAATGAGCATGCAACCCCTAAAGGGCCAGAGCATCCAG[C>G]CATTCATTAGTCGGTAAGGCATTGATTTAGCTGTGACTTTTACCAATCCCCAGTTAGTTA-3'
Protein context (NP_203699.1, residues 1555-1575): MQPLKGQSIQ[Pro1565Ala]FISRCAVCEA

ClinVar aggregate classification (germline): Uncertain significance. Review status: criteria provided, multiple submitters, no conflicts (2 of 4 stars). 3 submissions from 3 submitters: Uncertain significance (3). Last evaluated 2023-12-21.

Conditions:
X-linked Alport syndrome (ATS1). Also called: COL4A5-Related Nephropathy; NEPHROPATHY AND DEAFNESS, X-LINKED. Identifiers: Orphanet 63, Orphanet 88917, MedGen C4746986, MONDO:0010520, OMIM 301050.

Allele frequency attached by ClinVar (database versions not stated): gnomAD exomes 0.00001 and 0.00002; TOPMed 0.00001.
gnomAD v4.1: 23 of 1,211,450 alleles (0.0019%); highest among the groups gnomAD compares: Non-Finnish European, 0.0025%; no homozygotes.

Submissions (3):

Victorian Clinical Genetics Services, Murdoch Childrens Research Institute
Classification: Uncertain significance for X-linked Alport syndrome. Last evaluated: 2023-12-21. Review status: criteria provided, single submitter. Criteria: ACMG Guidelines, 2015. Collection method: clinical testing. Allele origin: germline. Inheritance: X-linked dominant inheritance. Affected: yes.
Comment: Based on the classification scheme VCGS_Germline_v1.3.4, this variant is classified as VUS-3A Following criteria are met: 0103 - Dominant negative and loss of function are known mechanisms of disease in this gene and are associated with X-linked Alport syndrome 1 (MIM#301050). Dominant negative is caused mostly by glycine substitutions that affect the conformation of the protein, and loss of function can be caused by either protein truncating or missense variants (PMID: 24046192, 12028435). (I) 0110 - This gene is associated with X-linked dominant disease. (I) 0115 - Variants in this gene are known to have variable expressivity There is intrafamilial variability among affected carrier females, possibly due to variable X-inactivation (PMID: 14514738). (I) 0200 - Variant is predicted to result in a missense amino acid change from proline to alanine. (I) 0253 - This variant is hemizygous. (I) 0302 - Variant is present in gnomAD (v2) <0.001 for a dominant condition (2 heterozygotes, 0 homozygotes, 0 hemizygotes). (SP) 0501 - Missense variant consistently predicted to be damaging by multiple in silico tools or highly conserved with a major amino acid change. (SP) 0600 - Variant is located in the annotated C-terminal tandem repeated domain in type 4 procollagen (DECIPHER). (I) 0705 - No comparable missense variants have previous evidence for pathogenicity. (I) 0809 - Previous evidence of pathogenicity for this variant is inconclusive. This variant has been submitted to ClinVar twice as a VUS, with one individual being affected with Alport syndrome (GeneDx personal communication). This variant was also identified in an individual with Alport syndrome in the literature; however, it did not segregate with disease in the family (PMID: 10094548). (I) 0905 - No published segregation evidence has been identified for this variant. (I) 1007 - No published functional evidence has been identified for this variant. (I) 1208 - Inheritance information for this variant is not currently available in this individual. (I) Legend: (SP) - Supporting pathogenic, (I) - Information, (SB) - Supporting benign

GeneDx
Classification: Uncertain significance. Last evaluated: 2019-12-24. Review status: criteria provided, single submitter. Criteria: GeneDx Variant Classification Process June 2021. Collection method: clinical testing. Allele origin: germline. Affected: yes.
Comment: In silico analysis, which includes protein predictors and evolutionary conservation, supports a deleterious effect; Has not been previously published as pathogenic or benign to our knowledge

Athena Diagnostics
Classification: Uncertain significance. Last evaluated: 2019-02-01. Review status: criteria provided, single submitter. Criteria: Athena Diagnostics Criteria. Collection method: clinical testing. Allele origin: germline.

Literature cited by the submitters: PubMed 10094548 (cited by Victorian Clinical Genetics Services, Murdoch Childrens Research Institute and Athena Diagnostics); PubMed 12028435 (cited by Victorian Clinical Genetics Services, Murdoch Childrens Research Institute); PubMed 14514738 (cited by Victorian Clinical Genetics Services, Murdoch Childrens Research Institute); PubMed 24046192 (cited by Victorian Clinical Genetics Services, Murdoch Childrens Research Institute).